The following is an entry in ClinVar:

ClinVar aggregate classification (germline): Uncertain significance (1 of 4 stars; one submission).

Allele frequency attached by ClinVar (database versions not stated): gnomAD 0.00002; TOPMed 0.00002.

Submission:

Labcorp Genetics (formerly Invitae), Labcorp
Classification: Uncertain significance. Last evaluated: 2024-03-30. Review status: criteria provided, single submitter. Criteria: Invitae Variant Classification Sherloc (09022015). Collection method: clinical testing. Allele origin: germline.
Comment: This sequence change replaces phenylalanine, which is neutral and non-polar, with leucine, which is neutral and non-polar, at codon 230 of the TOPORS protein (p.Phe230Leu). This variant is not present in population databases (gnomAD no frequency). This variant has not been reported in the literature in individuals affected with TOPORS-related conditions. ClinVar contains an entry for this variant (Variation ID: 940481). Algorithms developed to predict the effect of missense changes on protein structure and function output the following: SIFT: "Not Available"; PolyPhen-2: "Benign"; Align-GVGD: "Not Available". The leucine amino acid residue is found in multiple mammalian species, which suggests that this missense change does not adversely affect protein function. In summary, the available evidence is currently insufficient to determine the role of this variant in disease. Therefore, it has been classified as a Variant of Uncertain Significance.

NM_005802.5(TOPORS):c.690T>G (p.Phe230Leu)

Gene: TOPORS (TOP1 binding arginine/serine rich protein, E3 ubiquitin ligase; minus strand). Cytogenetic location: 9p21.1.
Variant type: single nucleotide variant.
Coding change: c.690T>G on transcript NM_005802.5 (MANE Select); coding-DNA position 690, T replaced by G.
Protein change: p.Phe230Leu; replaces phenylalanine 230 with leucine.
Molecular consequence: missense variant.
Genome position (GRCh38, 1-based): chr9:32,543,835, A>C on the plus strand (T>G on the coding strand, the complement: TOPORS is on the minus strand). VCF-style: chr9-32543835-A-C. GRCh37 (hg19) VCF-style: chr9-32543833-A-C.
Other names: c.495T>G, p.Phe165Leu (NM_001195622.2); short protein forms F230L, F165L.
Identifiers: ClinVar variation 940481 (VCV000940481.9), dbSNP rs1330398991, ClinGen allele CA373172097.